The following is an entry in ClinVar:

NM_182914.3(SYNE2):c.14452_14453del (p.Glu4818fs)

Gene: SYNE2 (spectrin repeat containing nuclear envelope protein 2; plus strand). Cytogenetic location: 14q23.2.
Variant type: Deletion.
Coding change: c.14452_14453del on transcript NM_182914.3 (MANE Select); coding-DNA positions 14452 to 14453, 2 bases deleted (GA; older notation c.14452_14453delGA).
Protein change: p.Glu4818fs; shifts the reading frame from glutamic acid 4818.
Molecular consequence: frameshift variant.
Genome position (GRCh38, 1-based): chr14:64,132,376-64,132,377, GA deleted; deleting any 2 consecutive bases within chr14:64,132,375-64,132,377 gives the same sequence; the c. name uses the placement nearest the transcript's 3' end. VCF-style (leftmost placement, unchanged base first): chr14-64132374-CAG-C. GRCh37 (hg19) VCF-style: chr14-64599092-CAG-C.
Other names: c.14452_14453del, p.Glu4818fs (NM_015180.6); short protein forms E4818fs.
Identifiers: ClinVar variation 2570882 (VCV002570882.27), dbSNP rs2549255055, ClinGen allele CA2580613695.

ClinVar aggregate classification (germline): Uncertain significance (1 of 4 stars; one submission).

Submission:

CeGaT Center for Human Genetics Tuebingen
Classification: Uncertain significance. Last evaluated: 2023-08-01. Review status: criteria provided, single submitter. Criteria: CeGaT Center For Human Genetics Tuebingen Variant Classification Criteria Version 2. Collection method: clinical testing. Allele origin: germline. Affected: yes. Observed: 2 variant alleles.
Comment: SYNE2: PM2, PVS1:Moderate, BS2